The following is an entry in ClinVar:

ClinVar aggregate classification (germline): Pathogenic (1 of 4 stars; one submission).

Conditions:
Gorlin syndrome. Also called: Nevoid Basal Cell Carcinoma Syndrome; Basal cell nevus syndrome. Identifiers: Orphanet 377, MedGen C0004779, MONDO:0007187.
Medulloblastoma (MDB). Also called: MEDULLOBLASTOMA PREDISPOSITION SYNDROME; Medulloblastoma, somatic. Identifiers: Orphanet 616, MedGen C0025149, MeSH D008527, MONDO:0007959, OMIM 155255, HP:0002885.

Submission:

Labcorp Genetics (formerly Invitae), Labcorp
Classification: Pathogenic for Gorlin syndrome; Medulloblastoma. Last evaluated: 2020-09-20. Review status: criteria provided, single submitter. Criteria: Invitae Variant Classification Sherloc (09022015). Collection method: clinical testing. Allele origin: germline.
Comment: This variant has not been reported in the literature in individuals with SUFU-related conditions. This variant is not present in population databases (ExAC no frequency). This sequence change creates a premature translational stop signal (p.Leu312*) in the SUFU gene. It is expected to result in an absent or disrupted protein product. Loss-of-function variants in SUFU are known to be pathogenic (PMID: 22508808, 25403219). For these reasons, this variant has been classified as Pathogenic.

Literature cited by the submitters: PubMed 22508808; PubMed 25403219.

NM_016169.4(SUFU):c.934del (p.Thr311_Leu312insTer)

Gene: SUFU (SUFU negative regulator of hedgehog signaling; plus strand). Cytogenetic location: 10q24.32.
Variant type: Deletion.
Coding change: c.934del on transcript NM_016169.4 (MANE Select); coding-DNA position 934, one base deleted (C; older notation c.934delC).
Protein change: p.Thr311_Leu312insTer.
Molecular consequence: nonsense.
Genome position (GRCh38, 1-based): chr10:102,599,456, C deleted; the last of 3 consecutive C bases (chr10:102,599,454-102,599,456); deleting any one gives the same sequence. VCF-style (leftmost placement, unchanged base first): chr10-102599453-AC-A. GRCh37 (hg19) VCF-style: chr10-104359210-AC-A.
Other names: c.934del, p.Thr311_Leu312insTer (NM_001178133.2).
Identifiers: ClinVar variation 1072352 (VCV001072352.7), dbSNP rs2135888594, ClinGen allele CA2499220131.